The following is an entry in ClinVar:

NM_002693.3(POLG):c.2070+1G>A

Gene: POLG (DNA polymerase gamma, catalytic subunit; minus strand). Cytogenetic location: 15q26.1.
Variant type: single nucleotide variant.
Coding change: c.2070+1G>A on transcript NM_002693.3 (MANE Select); the canonical splice donor site of the intron after coding-DNA position 2070, G replaced by A.
Molecular consequence: splice donor variant.
Genome position (GRCh38, 1-based): chr15:89,324,106, C>T on the plus strand (G>A on the coding strand, the complement: POLG is on the minus strand). VCF-style: chr15-89324106-C-T. GRCh37 (hg19) VCF-style: chr15-89867337-C-T.
Other names: c.2070+1G>A (NM_001126131.2).
Identifiers: ClinVar variation 619397 (VCV000619397.1), dbSNP rs1567188588, ClinGen allele CA10602215.

ClinVar aggregate classification (germline): Pathogenic (1 of 4 stars; one submission).

Conditions:
Progressive sclerosing poliodystrophy (MTDPS4A). Also called: Alpers-Huttenlocher Syndrome (AHS); Alpers Syndrome; ALPERS PROGRESSIVE INFANTILE POLIODYSTROPHY; Mitochondrial DNA depletion syndrome 4A (Alpers type); ALPERS DIFFUSE DEGENERATION OF CEREBRAL GRAY MATTER WITH HEPATIC CIRRHOSIS; Alpers-Huttenlocher Syndrome. Identifiers: Orphanet 726, MedGen C0205710, MONDO:0008758, OMIM 203700.

Submission:

Wong Mito Lab, Molecular and Human Genetics, Baylor College of Medicine
Classification: Pathogenic for Progressive sclerosing poliodystrophy. Last evaluated: 2018-10-01. Review status: criteria provided, single submitter. Criteria: ACMG Guidelines, 2015. Collection method: clinical testing. Allele origin: germline.
Comment: The NM_002693.2:c.2070+1G>A (NP_002684.1:p.=) [GRCH38: NC_000015.10:g.89324106C>T] variant in POLG gene is interpretated to be a Pathogenic based on ACMG guidelines (PMID: 25741868). This variant meets the following evidence codes reported in the ACMG-guideline. PVS1:This variant is a predicted null variant in POLG where loss of function is a known mechanism of disease. PM2:This variant is absent in key population databases. PM3:Detected in trans with a pathogenic variant for Mitochondrial DNA depletion syndrome 4A (Alpers type) which is a recessive disorder. PM4:This variant causes alteration in the length of expressed protein. PP1:This variant is co-segregated with Mitochondrial DNA depletion syndrome 4A (Alpers type) in multiple affected family members. PP4:Patient's phenotype or family history is highly specific for POLG. Based on the evidence criteria codes applied, the variant is suggested to be Pathogenic.